The following is an entry in ClinVar:

ClinVar aggregate classification (germline): Uncertain significance (1 of 4 stars; one submission).

Submission:

GeneDx
Classification: Uncertain significance. Last evaluated: 2024-09-25. Review status: criteria provided, single submitter. Criteria: GeneDx Variant Classification Process June 2021. Collection method: clinical testing. Allele origin: germline. Affected: yes.
Comment: Frameshift variant predicted to result in protein truncation or nonsense mediated decay in a gene or region of a gene for which loss of function is not a well-established mechanism of disease; Not observed at significant frequency in large population cohorts (gnomAD); Has not been previously published as pathogenic or benign to our knowledge

NM_004423.4(DVL3):c.515dup (p.Tyr173fs)

Gene: DVL3 (dishevelled segment polarity protein 3; plus strand). Cytogenetic location: 3q27.1.
Variant type: Duplication.
Coding change: c.515dup on transcript NM_004423.4 (MANE Select); coding-DNA position 515, one base duplicated (G; older notation c.515dupG).
Protein change: p.Tyr173fs; shifts the reading frame from tyrosine 173.
Molecular consequence: frameshift variant.
Genome position (GRCh38, 1-based): chr3:184,164,847, G duplicated; the last of 5 consecutive G bases (chr3:184,164,843-184,164,847); duplicating any one gives the same sequence. VCF-style (leftmost placement, unchanged base first): chr3-184164842-A-AG. GRCh37 (hg19) VCF-style: chr3-183882630-A-AG.
Other names: short protein forms Y173fs.
Identifiers: ClinVar variation 3774685 (VCV003774685.1).